The following is an entry in ClinVar:

ClinVar aggregate classification (germline): Conflicting classifications of pathogenicity. Review status: criteria provided, conflicting classifications (1 of 4 stars). 6 submissions from 6 submitters: Uncertain significance (1); Benign (2); Likely benign (1). 2 of the submissions do not count toward it. Last evaluated 2026-02-02.

Conditions:
MED17-related disorder. Also called: MED17-related condition.
Infantile cerebral and cerebellar atrophy with postnatal progressive microcephaly (MSBA). Identifiers: Orphanet 402364, MedGen C3150921, MONDO:0013351, OMIM 613668.

Allele frequency attached by ClinVar (database versions not stated): gnomAD exomes 0.00108; ExAC 0.00150; 1000 Genomes Project 30x 0.00375; 1000 Genomes Project 0.00379; gnomAD 0.00467 and 0.00502; TOPMed 0.00534; ESP Exome Variant Server 0.00616.
gnomAD v4.1: 1,264 of 1,593,610 alleles (0.079%); highest among the groups gnomAD compares: African/African-American, 1.5%; 8 homozygotes.

Submissions (6):

Labcorp Genetics (formerly Invitae), Labcorp
Classification: Benign. Last evaluated: 2026-02-02. Review status: criteria provided, single submitter. Criteria: Invitae Variant Classification Sherloc (09022015). Collection method: clinical testing. Allele origin: germline.

Blueprint Genetics
Classification: Likely benign. Last evaluated: 2024-10-18. Review status: criteria provided, single submitter. Criteria: ACMG Guidelines, 2015. Collection method: clinical testing. Allele origin: germline.

GeneDx
Classification: Benign. Last evaluated: 2019-03-20. Review status: criteria provided, single submitter. Criteria: GeneDx Variant Classification Process June 2021. Collection method: clinical testing. Allele origin: germline. Affected: yes.

Genetic Services Laboratory, University of Chicago
Classification: Uncertain significance. Last evaluated: 2014-09-19. Review status: criteria provided, single submitter. Criteria: ACMG Guidelines, 2015. Collection method: clinical testing. Allele origin: germline.

PreventionGenetics, part of Exact Sciences
Classification: Benign for MED17-related condition. Last evaluated: 2024-04-17. Review status: no assertion criteria provided. Collection method: clinical testing. Allele origin: germline. Not counted in ClinVar's aggregate classification.
Comment: This variant is classified as benign based on ACMG/AMP sequence variant interpretation guidelines (Richards et al. 2015 PMID: 25741868, with internal and published modifications).

Natera, Inc.
Classification: Benign for Postnatal progressive microcephaly with seizures and brain atrophy. Last evaluated: 2020-04-17. Review status: no assertion criteria provided. Collection method: clinical testing. Allele origin: germline. Not counted in ClinVar's aggregate classification.

NM_004268.5(MED17):c.690C>T (p.Leu230=)

Gene: MED17 (mediator complex subunit 17; plus strand). Cytogenetic location: 11q21.
Variant type: single nucleotide variant.
Coding change: c.690C>T on transcript NM_004268.5 (MANE Select); coding-DNA position 690, C replaced by T.
Protein change: p.Leu230=; no amino-acid change (leucine 230 retained).
Molecular consequence: synonymous variant.
Genome position (GRCh38, 1-based): chr11:93,793,780, C>T. VCF-style: chr11-93793780-C-T. GRCh37 (hg19) VCF-style: chr11-93526946-C-T.
Identifiers: ClinVar variation 211483 (VCV000211483.21), dbSNP rs116727804, ClinGen allele CA206508.
Genomic context (GRCh38, chr11:93,793,780, plus strand): 5'-AACATTAGGATCTCTCTTTCCTCATCATGGTACATTTGAAGTAATAAAGAATACAGATCT[C>T]GATCTGGATAAAAAGATACCTGAAGATTACTGTCCTCTTGATGTCCAAATTCCTAGTGAT-3'
Protein context (NP_004259.3, residues 220-240): GTFEVIKNTD[Leu230=]DLDKKIPEDY